The following is an entry in ClinVar:

ClinVar aggregate classification (germline): Pathogenic (1 of 4 stars; one submission).

Conditions:
Gorlin syndrome. Also called: Nevoid Basal Cell Carcinoma Syndrome; Basal cell nevus syndrome. Identifiers: Orphanet 377, MedGen C0004779, MONDO:0007187.

Submission:

Labcorp Genetics (formerly Invitae), Labcorp
Classification: Pathogenic for Gorlin syndrome. Last evaluated: 2024-12-07. Review status: criteria provided, single submitter. Criteria: Invitae Variant Classification Sherloc (09022015). Collection method: clinical testing. Allele origin: germline.
Comment: This sequence change affects a splice site in intron 6 of the PTCH1 gene. It is expected to disrupt RNA splicing. Variants that disrupt the donor or acceptor splice site typically lead to a loss of protein function (PMID: 16199547), and loss-of-function variants in PTCH1 are known to be pathogenic (PMID: 16301862, 16419085). This variant is not present in population databases (gnomAD no frequency). Disruption of this splice site has been observed in individual(s) with clinical features of basal cell nevus syndrome (internal data). Algorithms developed to predict the effect of sequence changes on RNA splicing suggest that this variant may disrupt the consensus splice site. For these reasons, this variant has been classified as Pathogenic.

Literature cited by the submitters: PubMed 16199547; PubMed 16301862; PubMed 16419085.

NM_000264.5(PTCH1):c.945+1dup

Gene: PTCH1 (patched 1; minus strand). Cytogenetic location: 9q22.32.
Variant type: Duplication.
Coding change: c.945+1dup on transcript NM_000264.5 (MANE Select); the canonical splice donor site of the intron after coding-DNA position 945, one base duplicated (G; older notation c.945+1dupG).
Molecular consequence: splice donor variant.
Genome position (GRCh38, 1-based): chr9:95,480,389, C duplicated on the plus strand (G on the coding strand, the reverse complement: PTCH1 is on the minus strand). VCF-style (leftmost placement, unchanged base first): chr9-95480388-A-AC. GRCh37 (hg19) VCF-style: chr9-98242670-A-AC.
Other names: c.942+1dup (NM_001083603.3); c.747+1dup (NM_001083602.3); c.945+1dup (NM_001354918.2); c.492+1dup (NM_001083605.3, NM_001083604.3, NM_001083606.3 and 1 more transcripts).
Identifiers: ClinVar variation 3726753 (VCV003726753.2).